The following is an entry in ClinVar:

ClinVar aggregate classification (germline): Pathogenic/Likely pathogenic. Review status: criteria provided, multiple submitters, no conflicts (2 of 4 stars). 8 submissions from 8 submitters: Pathogenic (3); Likely pathogenic (3). 2 of the submissions do not count toward it. Last evaluated 2024-09-23.

Conditions:
APRT-related disorder. Also called: APRT-related condition.
Adenine phosphoribosyltransferase deficiency (APRTD). Also called: APRT DEFICIENCY; NEPHROLITHIASIS, DHA; 2,8-dihydroxyadenine urolithiasis; Urolithiasis, dha. Identifiers: Orphanet 976, MedGen C0268120, MONDO:0013869, OMIM 614723.

Submissions (8):

3billion
Classification: Likely pathogenic for Adenine phosphoribosyltransferase deficiency. Last evaluated: 2024-09-23. Review status: criteria provided, single submitter. Criteria: ACMG Guidelines, 2015. Collection method: clinical testing. Allele origin: germline. Affected: yes.
Comment: The variant is observed at an extremely low frequency in the gnomAD v4.0.0 dataset (total allele frequency: 0.006%). Predicted Consequence/Location: Inframe deletion located in a nonrepeat region: predicted to change the length of the protein and disrupt normal protein function. The variant has been reported at least twice as pathogenic with clinical assertions and evidence for the classification (ClinVar ID: VCV000018294 /PMID: 3680503). Therefore, this variant is classified as Likely pathogenic according to the recommendation of ACMG/AMP guideline.

Genomic Medicine Center of Excellence, King Faisal Specialist Hospital and Research Centre
Classification: Likely pathogenic for Adenine phosphoribosyltransferase deficiency. Last evaluated: 2024-04-04. Review status: criteria provided, single submitter. Criteria: ACMG Guidelines, 2015. Collection method: clinical testing. Allele origin: germline.

Blueprint Genetics
Classification: Pathogenic for APRT-related disorders. Last evaluated: 2023-11-07. Review status: criteria provided, single submitter. Criteria: ACMG Guidelines, 2015. Collection method: clinical testing. Allele origin: germline. Affected: yes. Observed: 1 variant allele.

Labcorp Genetics (formerly Invitae), Labcorp
Classification: Pathogenic. Last evaluated: 2023-08-03. Review status: criteria provided, single submitter. Criteria: Invitae Variant Classification Sherloc (09022015). Collection method: clinical testing. Allele origin: germline.
Comment: This variant, c.521_523del, results in the deletion of 1 amino acid(s) of the APRT protein (p.Phe174del), but otherwise preserves the integrity of the reading frame. This variant is present in population databases (rs751152783, gnomAD 0.03%). This variant has been observed in individual(s) with adenine phosphoribosyltransferase deficiency (PMID: 3680503, 23430916). In at least one individual the data is consistent with being in trans (on the opposite chromosome) from a pathogenic variant. It has also been observed to segregate with disease in related individuals. For these reasons, this variant has been classified as Pathogenic. ClinVar contains an entry for this variant (Variation ID: 18294). This variant is also known as c.517_519delTTC.

Laboratorio de Genetica e Diagnostico Molecular, Hospital Israelita Albert Einstein
Classification: Likely pathogenic. Last evaluated: 2022-02-24. Review status: criteria provided, single submitter. Criteria: ACMG Guidelines, 2015. Collection method: clinical testing. Allele origin: germline. Affected: yes.
Comment: ACMG classification criteria: PS3, PM2, PM3, PM4

APRT Deficiency Research Program of the Rare Kidney Stone Consortium, Landspitali, National University Hospital of Iceland
Classification: Pathogenic for Adenine phosphoribosyltransferase deficiency. Last evaluated: 2020-09-01. Review status: criteria provided, single submitter. Criteria: ACMG Guidelines, 2015. Collection method: clinical testing. Allele origin: germline. Affected: yes.

OMIM
Classification: Pathogenic for APRT DEFICIENCY. Last evaluated: 1987-11-01. Review status: no assertion criteria provided. Collection method: literature only. Allele origin: germline. Not counted in ClinVar's aggregate classification.

Department of Pathology and Laboratory Medicine, Sinai Health System
Classification: Uncertain significance for adenine phosphoribosyltransferase deficiency. Last evaluated: 2023-02-27. Review status: flagged submission. Criteria: ACMG Guidelines, 2015. Collection method: research. Allele origin: germline. Not counted in ClinVar's aggregate classification.
ClinVar note: Reason: Outlier claim with insufficient supporting evidence

Literature cited by the submitters: PubMed 3680503 (cited by 3 submitters); PubMed 23430916 (cited by Labcorp Genetics (formerly Invitae), Labcorp); DOI 10.1036/ommbid.136 (cited by APRT Deficiency Research Program of the Rare Kidney Stone Consortium, Landspitali, National University Hospital of Iceland).

NM_000485.3(APRT):c.518TCT[1] (p.Phe174del)

Gene: APRT (adenine phosphoribosyltransferase; minus strand). Cytogenetic location: 16q24.3.
Variant type: Microsatellite.
Coding change: c.518TCT[1] on transcript NM_000485.3 (MANE Select); one copy of the 3-base unit TCT starting at c.518; the reference has two copies in a row; one copy, 3 bases deleted; also written c.521_523del.
Protein change: p.Phe174del; deletes phenylalanine 174.
Molecular consequence: inframe deletion. On other transcripts: intron variant (1).
Genome position (GRCh38, 1-based): chr16:88,809,718-88,809,720, AGA deleted on the plus strand (TCT on the coding strand, the reverse complement: APRT is on the minus strand); deleting any 3 consecutive bases within chr16:88,809,718-88,809,725 gives the same sequence; the position shown is the placement nearest the transcript's 3' end. VCF-style (leftmost placement, unchanged base first): chr16-88809717-GAGA-G. GRCh37 (hg19) VCF-style: chr16-88876125-GAGA-G.
Other names: c.401-14_401-12del (NM_001030018.2); c.521_523del (NM_000485.2, NM_000485.3); short protein forms F174del.
Identifiers: ClinVar variation 18294 (VCV000018294.11), dbSNP rs121912681, ClinGen allele CA258146.
Genomic context (GRCh38, chr16:88,809,717, plus strand): 5'-CTGGGATCCAGCTGGAGATGTTGGGCTGGGAGGCCCTGTGGTCACTCATACTGCAGGAGA[GAGA>G]AGAAGGGTACAGGTGCCAGCTTCTCCCTGCCCTTAAGCGAGGTCAGCTCCACCAGGCTCA-3'